The following is an entry in ClinVar:

ClinVar aggregate classification (germline): Uncertain significance. Review status: criteria provided, multiple submitters, no conflicts (2 of 4 stars). 2 submissions from 2 submitters: Uncertain significance (2). Last evaluated 2024-03-06.

Conditions:
Hereditary cancer-predisposing syndrome. Also called: Hereditary Cancer Syndrome; Neoplastic Syndromes, Hereditary; Tumor predisposition; Hereditary neoplastic syndrome. Identifiers: Orphanet 140162, MedGen C0027672, MeSH D009386, MONDO:0015356.
Hereditary nonpolyposis colorectal neoplasms. Identifiers: MedGen C0009405, MeSH D003123.

Submissions (2):

Color Diagnostics, LLC DBA Color Health
Classification: Uncertain significance for Hereditary cancer-predisposing syndrome. Last evaluated: 2024-03-06. Review status: criteria provided, single submitter. Criteria: ACMG Guidelines, 2015. Collection method: clinical testing. Allele origin: germline.
Comment: This missense variant replaces proline with arginine at codon 844 of the PMS2 protein. Computational prediction suggests that this variant may have deleterious impact on protein structure and function (internally defined REVEL score threshold >= 0.7, PMID: 27666373). To our knowledge, functional studies have not been reported for this variant. This variant has not been reported in individuals affected with hereditary cancer in the literature. This variant has not been identified in the general population by the Genome Aggregation Database (gnomAD). The available evidence is insufficient to determine the role of this variant in disease conclusively. Therefore, this variant is classified as a Variant of Uncertain Significance.

Labcorp Genetics (formerly Invitae), Labcorp
Classification: Uncertain significance for Hereditary nonpolyposis colorectal neoplasms. Last evaluated: 2020-07-07. Review status: criteria provided, single submitter. Criteria: Invitae Variant Classification Sherloc (09022015). Collection method: clinical testing. Allele origin: germline.
Comment: Algorithms developed to predict the effect of missense changes on protein structure and function (SIFT, PolyPhen-2, Align-GVGD) all suggest that this variant is likely to be disruptive, but these predictions have not been confirmed by published functional studies and their clinical significance is uncertain. In summary, the available evidence is currently insufficient to determine the role of this variant in disease. Therefore, it has been classified as a Variant of Uncertain Significance. This variant has not been reported in the literature in individuals with PMS2-related conditions. The frequency data for this variant in the population databases (ExAC) is considered unreliable due to the presence of homologous sequence, such as pseudogenes or paralogs, in the genome. This sequence change replaces proline with arginine at codon 844 of the PMS2 protein (p.Pro844Arg). The proline residue is highly conserved and there is a moderate physicochemical difference between proline and arginine.

NM_000535.7(PMS2):c.2531C>G (p.Pro844Arg)

Gene: PMS2 (PMS1 homolog 2, mismatch repair system component; minus strand). Cytogenetic location: 7p22.1.
Variant type: single nucleotide variant.
Coding change: c.2531C>G on transcript NM_000535.7 (MANE Select); coding-DNA position 2531, C replaced by G.
Protein change: p.Pro844Arg; replaces proline 844 with arginine.
Molecular consequence: missense variant. On other transcripts: non-coding transcript variant (1).
Genome position (GRCh38, 1-based): chr7:5,973,457, G>C on the plus strand (C>G on the coding strand, the complement: PMS2 is on the minus strand). VCF-style: chr7-5973457-G-C. GRCh37 (hg19) VCF-style: chr7-6013088-G-C.
Other names: c.2126C>G, p.Pro709Arg (NM_001322003.2, NM_001322004.2, NM_001322005.2); c.2375C>G, p.Pro792Arg (NM_001322006.2); c.2213C>G, p.Pro738Arg (NM_001322007.2, NM_001322008.2); c.2159C>G, p.Pro720Arg (NM_001322009.2); c.1970C>G, p.Pro657Arg (NM_001322010.2); c.1598C>G, p.Pro533Arg (NM_001322011.2, NM_001322012.2); c.1958C>G, p.Pro653Arg (NM_001322013.2); c.2564C>G, p.Pro855Arg (NM_001322014.2); and 1 more; short protein forms P533R, P653R, P657R, P709R, P720R, P738R, P741R, P792R.
Identifiers: ClinVar variation 1025179 (VCV001025179.9), dbSNP rs587782787, ClinGen allele CA366734854.
Genomic context (GRCh38, chr7:5,973,457, plus strand): 5'-GGTCAGTTCTGAGAAATGACACCCAGGTTGGCGATGTGTCTCATGGTTGGCCTTCCATGG[G>C]GACAGTTCCAGGGGTGGTCCATCTCCCCCATGTGGGTGATCAGTTTCTTCATCTCGCTTG-3'
Protein context (NP_000526.2, residues 834-854): MGEMDHPWNC[Pro844Arg]HGRPTMRHIA